The following is an entry in ClinVar:

ClinVar aggregate classification (germline): Likely benign (1 of 4 stars; one submission).

Conditions:
SLC27A5-related disorder. Also called: SLC27A5-related condition.

Submission:

PreventionGenetics, part of Exact Sciences
Classification: Likely benign for SLC27A5-related condition. Last evaluated: 2026-05-27. Review status: criteria provided, single submitter. Criteria: ACMG Guidelines, 2015. Collection method: clinical testing. Allele origin: germline.
Comment: This variant is classified as likely benign based on ACMG/AMP sequence variant interpretation guidelines (Richards et al. 2015 PMID: 25741868, with internal and published modifications).

NM_012254.3(SLC27A5):c.408G>A (p.Thr136=)

Gene: SLC27A5 (solute carrier family 27 member 5; minus strand). Cytogenetic location: 19q13.43.
Variant type: single nucleotide variant.
Coding change: c.408G>A on transcript NM_012254.3 (MANE Select); coding-DNA position 408, G replaced by A.
Protein change: p.Thr136=; no amino-acid change (threonine 136 retained).
Molecular consequence: synonymous variant.
Genome position (GRCh38, 1-based): chr19:58,511,548, C>T on the plus strand (G>A on the coding strand, the complement: SLC27A5 is on the minus strand). VCF-style: chr19-58511548-C-T. GRCh37 (hg19) VCF-style: chr19-59022915-C-T.
Other names: c.408G>A, p.Thr136= (NM_001321196.2).
Identifiers: ClinVar variation 4980805 (VCV004980805.1).